The following is an entry in ClinVar:

NM_133642.5(LARGE1):c.344G>T (p.Arg115Leu)

Gene: LARGE1 (LARGE xylosyl- and glucuronyltransferase 1; minus strand). Cytogenetic location: 22q12.3.
Variant type: single nucleotide variant.
Coding change: c.344G>T on transcript NM_133642.5 (MANE Select); coding-DNA position 344, G replaced by T.
Protein change: p.Arg115Leu; replaces arginine 115 with leucine.
Molecular consequence: missense variant.
Genome position (GRCh38, 1-based): chr22:33,650,431, C>A on the plus strand (G>T on the coding strand, the complement: LARGE1 is on the minus strand). VCF-style: chr22-33650431-C-A. GRCh37 (hg19) VCF-style: chr22-34046417-C-A.
Other names: c.344G>T, p.Arg115Leu (NM_001362949.2, NM_001362951.2, NM_001362953.2 and 7 more transcripts); short protein forms R115L.
Identifiers: ClinVar variation 1389038 (VCV001389038.8), dbSNP rs755087786, ClinGen allele CA411546131.
Genomic context (GRCh38, chr22:33,650,431, plus strand): 5'-CATTTCTCCACGACCGGCTGCTGCCCACACTCGGAGCTGTTGCCTGCCACGATGCCAGCC[C>A]GAAGGTTCTCGCTGTCTCCAGTGCCCTCCTCCATGGAGTAGGTCTTGGAGTGGTTGCCTC-3'
Protein context (NP_598397.1, residues 105-125): EEGTGDSENL[Arg115Leu]AGIVAGNSSE

ClinVar aggregate classification (germline): Uncertain significance (1 of 4 stars; one submission).

Conditions:
Muscular dystrophy-dystroglycanopathy type B6 (MDDGB6). Also called: MUSCULAR DYSTROPHY-DYSTROGLYCANOPATHY (CONGENITAL WITH IMPAIRED INTELLECTUAL DEVELOPMENT), TYPE B, 6; MUSCULAR DYSTROPHY, CONGENITAL, LARGE-RELATED; MUSCULAR DYSTROPHY, CONGENITAL, TYPE 1D. Identifiers: MedGen C1837229, MONDO:0012138, OMIM 608840.

Submission:

Labcorp Genetics (formerly Invitae), Labcorp
Classification: Uncertain significance for Muscular dystrophy-dystroglycanopathy type B6. Last evaluated: 2023-06-26. Review status: criteria provided, single submitter. Criteria: Invitae Variant Classification Sherloc (09022015). Collection method: clinical testing. Allele origin: germline.
Comment: This variant has not been reported in the literature in individuals affected with LARGE1-related conditions. In summary, the available evidence is currently insufficient to determine the role of this variant in disease. Therefore, it has been classified as a Variant of Uncertain Significance. An algorithm developed to predict the effect of missense changes on protein structure and function (PolyPhen-2) suggests that this variant is likely to be tolerated. ClinVar contains an entry for this variant (Variation ID: 1389038). This variant is not present in population databases (gnomAD no frequency). This sequence change replaces arginine, which is basic and polar, with leucine, which is neutral and non-polar, at codon 115 of the LARGE1 protein (p.Arg115Leu).